The following is an entry in ClinVar:

ClinVar aggregate classification (germline): Uncertain significance (1 of 4 stars; one submission).

gnomAD v4.1: 1 of 1,613,992 alleles (0.000062%); highest among the groups gnomAD compares: African/African-American, 0.0013%; no homozygotes.

Submission:

Ambry Genetics
Classification: Uncertain significance. Last evaluated: 2024-11-15. Review status: criteria provided, single submitter. Criteria: Ambry Variant Classification Scheme 2023. Collection method: clinical testing. Allele origin: germline.
Comment: The p.V956A variant (also known as c.2867T>C), located in coding exon 25 of the KIF1B gene, results from a T to C substitution at nucleotide position 2867. The valine at codon 956 is replaced by alanine, an amino acid with similar properties. This amino acid position is conserved. In addition, this alteration is predicted to be deleterious by in silico analysis. Based on the available evidence, the clinical significance of this variant remains unclear.

NM_001365951.3(KIF1B):c.3005T>C (p.Val1002Ala)

Gene: KIF1B (kinesin family member 1B; plus strand). Cytogenetic location: 1p36.22.
Variant type: single nucleotide variant.
Coding change: c.3005T>C on transcript NM_001365951.3 (MANE Select); coding-DNA position 3005, T replaced by C.
Protein change: p.Val1002Ala; replaces valine 1002 with alanine.
Molecular consequence: missense variant.
Genome position (GRCh38, 1-based): chr1:10,334,600, T>C. VCF-style: chr1-10334600-T-C. GRCh37 (hg19) VCF-style: chr1-10394658-T-C.
Other names: c.3005T>C, p.Val1002Ala (NM_001365952.1); c.2867T>C, p.Val956Ala (NM_015074.3); short protein forms V956A, V1002A.
Identifiers: ClinVar variation 3534084 (VCV003534084.1).